The following is an entry in ClinVar:

ClinVar aggregate classification (germline): Uncertain significance (1 of 4 stars; one submission).

Conditions:
Hereditary cancer-predisposing syndrome. Also called: Neoplastic Syndromes, Hereditary; Hereditary Cancer Syndrome; Tumor predisposition; Hereditary neoplastic syndrome. Identifiers: Orphanet 140162, MedGen C0027672, MeSH D009386, MONDO:0015356.

gnomAD v4.1: 1 of 1,614,136 alleles (0.000062%); highest among the groups gnomAD compares: Middle Eastern, 0.016%; no homozygotes.

Submission:

Ambry Genetics
Classification: Uncertain significance for Hereditary cancer-predisposing syndrome. Last evaluated: 2024-12-12. Review status: criteria provided, single submitter. Criteria: Ambry Variant Classification Scheme 2023. Collection method: clinical testing. Allele origin: germline.
Comment: The p.T280A variant (also known as c.838A>G), located in coding exon 9 of the RAD51D gene, results from an A to G substitution at nucleotide position 838. The threonine at codon 280 is replaced by alanine, an amino acid with similar properties. This amino acid position is conserved. In addition, this alteration is predicted to be tolerated by in silico analysis. Based on the available evidence, the clinical significance of this variant remains unclear.

NM_002878.4(RAD51D):c.838A>G (p.Thr280Ala)

Genes: RAD51D (RAD51 paralog D; minus strand), RAD51L3-RFFL (RAD51L3-RFFL readthrough; minus strand). Cytogenetic location: 17q12.
Variant type: single nucleotide variant.
Coding change: c.838A>G on transcript NM_002878.4 (MANE Select); coding-DNA position 838, A replaced by G.
Protein change: p.Thr280Ala; replaces threonine 280 with alanine.
Molecular consequence: missense variant. On other transcripts: non-coding transcript variant (3).
Genome position (GRCh38, 1-based): chr17:35,101,266, T>C on the plus strand (A>G on the coding strand, the complement: RAD51D is on the minus strand). VCF-style: chr17-35101266-T-C. GRCh37 (hg19) VCF-style: chr17-33428285-T-C.
Other names: c.898A>G, p.Thr300Ala (NM_001142571.2); c.502A>G, p.Thr168Ala (NM_133629.3); short protein forms T300A, T168A, T280A.
Identifiers: ClinVar variation 3786510 (VCV003786510.1).
Genomic context (GRCh38, chr17:35,101,266, plus strand): 5'-GGGAAGATTTGGCCAGACACGCCATGCGCCGGCCGCCTGATGCTCCTGCTCCCTCGATGG[T>C]GTCCAGGAGAATCCGAGTGCTGGGCACAAAGCTCCAGGAGCGTCCGAGGGCAGGTTTGAG-3'
Protein context (NP_002869.3, residues 270-290): FVPSTRILLD[Thr280Ala]IEGAGASGGR